The following is an entry in ClinVar:

ClinVar aggregate classification (germline): Uncertain significance. Review status: criteria provided, multiple submitters, no conflicts (2 of 4 stars). 3 submissions from 3 submitters: Uncertain significance (3). Last evaluated 2025-12-31.

Conditions:
Frontotemporal dementia and/or amyotrophic lateral sclerosis 1 (FTDALS1). Also called: Frontotemporal dementia with motor neuron disease 1; C9orf72 Frontotemporal Dementia and/or Amyotrophic Lateral Sclerosis. Identifiers: Orphanet 275872, MedGen C5779877, MONDO:0007105, OMIM 105550.
Paget disease of bone 2, early-onset (PDB2). Also called: Paget disease of bone 2. Identifiers: MedGen C4085251, MONDO:0011183, OMIM 602080.
Inborn genetic diseases. Identifiers: MedGen C0950123, MeSH D030342.

Allele frequency attached by ClinVar (database versions not stated): gnomAD exomes below 0.00001; ExAC 0.00001; TOPMed 0.00001.

Submissions (3):

Women's Health and Genetics/Laboratory Corporation of America, LabCorp
Classification: Uncertain significance. Last evaluated: 2025-12-31. Review status: criteria provided, single submitter. Criteria: LabCorp Variant Classification Summary - May 2015. Collection method: clinical testing. Allele origin: germline.
Comment: Variant summary: SQSTM1 c.827C>T (p.Ser276Phe) results in a non-conservative amino acid change in the encoded protein sequence. Algorithms developed to predict the effect of missense changes on protein structure and function are either unavailable or do not agree on the potential impact of this missense change. The variant allele was found at a frequency of 4e-06 in 251428 control chromosomes. The available data on variant occurrences in the general population are insufficient to allow any conclusion about variant significance. To our knowledge, no occurrence of c.827C>T in individuals affected with SQSTM1-related conditions and no experimental evidence demonstrating its impact on protein function have been reported. ClinVar contains an entry for this variant (Variation ID: 955638). Based on the evidence outlined above, the variant was classified as uncertain significance.

Ambry Genetics
Classification: Uncertain significance for Inborn genetic diseases. Last evaluated: 2025-06-24. Review status: criteria provided, single submitter. Criteria: Ambry Variant Classification Scheme 2023. Collection method: clinical testing. Allele origin: germline.

Labcorp Genetics (formerly Invitae), Labcorp
Classification: Uncertain significance for Paget disease of bone 2, early-onset; Frontotemporal dementia and/or amyotrophic lateral sclerosis 1. Last evaluated: 2025-05-22. Review status: criteria provided, single submitter. Criteria: Invitae Variant Classification Sherloc (09022015). Collection method: clinical testing. Allele origin: germline.
Comment: This sequence change replaces serine, which is neutral and polar, with phenylalanine, which is neutral and non-polar, at codon 276 of the SQSTM1 protein (p.Ser276Phe). This variant is present in population databases (rs202119215, gnomAD 0.0009%). This variant has not been reported in the literature in individuals affected with SQSTM1-related conditions. ClinVar contains an entry for this variant (Variation ID: 955638). Invitae Evidence Modeling of protein sequence and biophysical properties (such as structural, functional, and spatial information, amino acid conservation, physicochemical variation, residue mobility, and thermodynamic stability) indicates that this missense variant is not expected to disrupt SQSTM1 protein function with a negative predictive value of 80%. In summary, the available evidence is currently insufficient to determine the role of this variant in disease. Therefore, it has been classified as a Variant of Uncertain Significance.

NM_003900.5(SQSTM1):c.827C>T (p.Ser276Phe)

Gene: SQSTM1 (sequestosome 1; plus strand). Cytogenetic location: 5q35.3.
Variant type: single nucleotide variant.
Coding change: c.827C>T on transcript NM_003900.5 (MANE Select); coding-DNA position 827, C replaced by T.
Protein change: p.Ser276Phe; replaces serine 276 with phenylalanine.
Molecular consequence: missense variant.
Genome position (GRCh38, 1-based): chr5:179,833,104, C>T. VCF-style: chr5-179833104-C-T. GRCh37 (hg19) VCF-style: chr5-179260104-C-T.
Other names: c.575C>T, p.Ser192Phe (NM_001142298.2, NM_001142299.2); short protein forms S192F, S276F.
Identifiers: ClinVar variation 955638 (VCV000955638.11), dbSNP rs202119215, ClinGen allele CA3600701.